The following is an entry in ClinVar:

NM_005422.4(TECTA):c.2866T>C (p.Ser956Pro)

Genes: TBCEL-TECTA (TBCEL-TECTA readthrough; plus strand), TECTA (tectorin alpha; plus strand), LOC126861365 (P300/CBP strongly-dependent group 1 enhancer GRCh37_chr11:121000154-121001353; plus strand). Cytogenetic location: 11q23.3.
Variant type: single nucleotide variant.
Coding change: c.2866T>C on transcript NM_005422.4 (MANE Select); coding-DNA position 2866, T replaced by C.
Protein change: p.Ser956Pro; replaces serine 956 with proline.
Molecular consequence: missense variant.
Genome position (GRCh38, 1-based): chr11:121,130,136, T>C. VCF-style: chr11-121130136-T-C. GRCh37 (hg19) VCF-style: chr11-121000845-T-C.
Other names: c.3823T>C, p.Ser1275Pro (NM_001378761.1); short protein forms S1275P, S956P.
Identifiers: ClinVar variation 1700904 (VCV001700904.2), dbSNP rs2135085263, ClinGen allele CA383017397.
Genomic context (GRCh38, chr11:121,130,136, plus strand): 5'-TACCGCACCTGCCTTTTCCGCCTGTGCCAGAGTGGGGGCAATGAGTCAGAGCTCTGTGAC[T>C]CTGTGGCCCGGTATGCAAGCGCCTGCAAGAATGCGGACGTGGAGGTGGGGCCCTGGCGGA-3'
Protein context (NP_005413.2, residues 946-966): SGGNESELCD[Ser956Pro]VARYASACKN

ClinVar aggregate classification (germline): Uncertain significance (1 of 4 stars; one submission).

Submission:

GeneDx
Classification: Uncertain significance. Last evaluated: 2022-02-09. Review status: criteria provided, single submitter. Criteria: GeneDx Variant Classification Process June 2021. Collection method: clinical testing. Allele origin: germline. Affected: yes.
Comment: Not observed at significant frequency in large population cohorts (gnomAD); In silico analysis supports that this missense variant has a deleterious effect on protein structure/function; Has not been previously published as pathogenic or benign to our knowledge